The following is an entry in ClinVar:

ClinVar aggregate classification (germline): Uncertain significance (1 of 4 stars; one submission).

Submission:

GeneDx
Classification: Uncertain significance. Last evaluated: 2024-05-24. Review status: criteria provided, single submitter. Criteria: GeneDx Variant Classification Process June 2021. Collection method: clinical testing. Allele origin: germline. Affected: yes.
Comment: Not observed at significant frequency in large population cohorts (gnomAD); In silico analysis supports that this missense variant has a deleterious effect on protein structure/function; Has not been previously published as pathogenic or benign to our knowledge; This substitution is predicted to be within the extracellular loop between the S3 and S4 transmembrane segments of the second homologous domain

NM_001165963.4(SCN1A):c.2561G>C (p.Gly854Ala)

Gene: SCN1A (sodium voltage-gated channel alpha subunit 1; minus strand). Cytogenetic location: 2q24.3.
Variant type: single nucleotide variant.
Coding change: c.2561G>C on transcript NM_001165963.4 (MANE Select); coding-DNA position 2561, G replaced by C.
Protein change: p.Gly854Ala; replaces glycine 854 with alanine.
Molecular consequence: missense variant. On other transcripts: non-coding transcript variant (1).
Genome position (GRCh38, 1-based): chr2:166,039,451, C>G on the plus strand (G>C on the coding strand, the complement: SCN1A is on the minus strand). VCF-style: chr2-166039451-C-G. GRCh37 (hg19) VCF-style: chr2-166895961-C-G.
Other names: c.2477G>C, p.Gly826Ala (NM_001165964.3, NM_001353957.2, NM_001353958.2); c.2561G>C, p.Gly854Ala (NM_001202435.3, NM_001353948.2); c.2528G>C, p.Gly843Ala (NM_001353949.2, NM_001353950.2, NM_001353951.2 and 2 more transcripts); c.2525G>C, p.Gly842Ala (NM_001353954.2, NM_001353955.2); c.2474G>C, p.Gly825Ala (NM_001353960.2); c.119G>C, p.Gly40Ala (NM_001353961.2); short protein forms G40A, G825A, G826A, G842A, G843A, G854A.
Identifiers: ClinVar variation 3383542 (VCV003383542.1).
Genomic context (GRCh38, chr2:166,039,451, plus strand): 5'-TTGAATTTGGTGCTTTTTTTTTTTTTTTTTACCAATCGAAATGAACGGAGAACAGATAAT[C>G]CTTCCACATTGGCGAGTCCAAGTTCTACCAGGCTAAGCGTCACAATAAAACCGTCAAAGA-3'
Protein context (NP_001159435.1, residues 844-864): LVELGLANVE[Gly854Ala]LSVLRSFRLL